The following is an entry in ClinVar:

NM_020821.3(VPS13C):c.1436G>T (p.Gly479Val)

Gene: VPS13C (vacuolar protein sorting 13 homolog C; minus strand). Cytogenetic location: 15q22.2.
Variant type: single nucleotide variant.
Coding change: c.1436G>T on transcript NM_020821.3 (MANE Select); coding-DNA position 1436, G replaced by T.
Protein change: p.Gly479Val; replaces glycine 479 with valine.
Molecular consequence: missense variant.
Genome position (GRCh38, 1-based): chr15:61,991,720, C>A on the plus strand (G>T on the coding strand, the complement: VPS13C is on the minus strand). VCF-style: chr15-61991720-C-A. GRCh37 (hg19) VCF-style: chr15-62283919-C-A.
Other names: c.1436G>T, p.Gly479Val (NM_001018088.3); c.1307G>T, p.Gly436Val (NM_017684.5, NM_018080.4); short protein forms G436V, G479V.
Identifiers: ClinVar variation 3688184 (VCV003688184.2).

ClinVar aggregate classification (germline): Uncertain significance (1 of 4 stars; one submission).

gnomAD v4.1: 6 of 1,613,438 alleles (0.00037%); highest among the groups gnomAD compares: Non-Finnish European, 0.00051%; no homozygotes.

Submission:

Labcorp Genetics (formerly Invitae), Labcorp
Classification: Uncertain significance. Last evaluated: 2024-02-05. Review status: criteria provided, single submitter. Criteria: Invitae Variant Classification Sherloc (09022015). Collection method: clinical testing. Allele origin: germline.
Comment: This sequence change replaces glycine, which is neutral and non-polar, with valine, which is neutral and non-polar, at codon 479 of the VPS13C protein (p.Gly479Val). This variant is not present in population databases (gnomAD no frequency). This variant has not been reported in the literature in individuals affected with VPS13C-related conditions. Advanced modeling of protein sequence and biophysical properties (such as structural, functional, and spatial information, amino acid conservation, physicochemical variation, residue mobility, and thermodynamic stability) performed at Invitae indicates that this missense variant is expected to disrupt VPS13C protein function with a positive predictive value of 80%. In summary, the available evidence is currently insufficient to determine the role of this variant in disease. Therefore, it has been classified as a Variant of Uncertain Significance.